The following is an entry in ClinVar:

ClinVar aggregate classification (germline): Conflicting classifications of pathogenicity. Review status: criteria provided, conflicting classifications (1 of 4 stars). 6 submissions from 4 submitters: Uncertain significance (5); Likely benign (1). Last evaluated 2025-12-11.

Conditions:
DE SANCTIS-CACCHIONE SYNDROME. Identifiers: MedGen C0265201, MONDO:0010217, OMIM 278800.
Age related macular degeneration 5. Identifiers: MedGen C3151063, MONDO:0013409, OMIM 613761.
Cerebrooculofacioskeletal syndrome 1 (COFS1). Also called: Cerebro-oculo-facio-skeletal syndrome 1. Identifiers: MedGen C0220722, MONDO:0008955, OMIM 214150.
Cockayne syndrome type 2 (CSB). Also called: Cockayne Syndrome, Type II; COCKAYNE SYNDROME B. Identifiers: Orphanet 191, Orphanet 90322, MedGen C0751038, MONDO:0019570, OMIM 133540.
Premature ovarian failure 11 (POF11). Identifiers: MedGen C4310783, MONDO:0014843, OMIM 616946.
UV-sensitive syndrome 1 (UVSS1). Identifiers: Orphanet 178338, MedGen C3551173, MONDO:0010909, OMIM 600630.
Lung cancer. Also called: Malignant tumor of lung; Lung cancer, somatic. Identifiers: MedGen C0242379, MONDO:0008903, OMIM 211980.

Allele frequency attached by ClinVar (database versions not stated): gnomAD 0.00007; ESP Exome Variant Server 0.00008; TOPMed 0.00009; gnomAD exomes 0.00016; ExAC 0.00021.
gnomAD v4.1: 112 of 1,613,498 alleles (0.0069%); highest among the groups gnomAD compares: East Asian, 0.056%; no homozygotes.

Submissions (6):

Labcorp Genetics (formerly Invitae), Labcorp
Classification: Likely benign. Last evaluated: 2025-12-11. Review status: criteria provided, single submitter. Criteria: Invitae Variant Classification Sherloc (09022015). Collection method: clinical testing. Allele origin: germline.

Fulgent Genetics
Classification: Uncertain significance for Cockayne syndrome type 2; Lung cancer; Cerebrooculofacioskeletal syndrome 1; DE SANCTIS-CACCHIONE SYNDROME; UV-sensitive syndrome 1; Age related macular degeneration 5; Premature ovarian failure 11. Last evaluated: 2021-11-12. Review status: criteria provided, single submitter. Criteria: ACMG Guidelines, 2015. Collection method: clinical testing. Allele origin: unknown.

Ocular Genomics Institute, Massachusetts Eye and Ear
Classification: Uncertain significance for Cockayne syndrome type 2. Last evaluated: 2021-04-08. Review status: criteria provided, single submitter. Criteria: ACMG Guidelines, 2015. Collection method: research. Allele origin: germline. Affected: yes.
Comment: Through a review of available evidence we were able to apply the following criteria: PM2. Based on this evidence we have classified this variant as Variant of Uncertain Significance.

Illumina Laboratory Services, Illumina
Classification: Uncertain significance for Cockayne syndrome type 2. Last evaluated: 2018-01-12. Review status: criteria provided, single submitter. Criteria: ICSL Variant Classification Criteria 13 December 2019. Collection method: clinical testing. Allele origin: germline.

Illumina Laboratory Services, Illumina
Classification: Uncertain significance for Age related macular degeneration 5. Last evaluated: 2018-01-12. Review status: criteria provided, single submitter. Criteria: ICSL Variant Classification Criteria 13 December 2019. Collection method: clinical testing. Allele origin: germline.

Illumina Laboratory Services, Illumina
Classification: Uncertain significance for Cerebrooculofacioskeletal syndrome 1. Last evaluated: 2018-01-12. Review status: criteria provided, single submitter. Criteria: ICSL Variant Classification Criteria 13 December 2019. Collection method: clinical testing. Allele origin: germline.

NM_000124.4(ERCC6):c.2125G>A (p.Val709Ile)

Gene: ERCC6 (ERCC excision repair 6, chromatin remodeling factor; minus strand). Cytogenetic location: 10q11.23.
Variant type: single nucleotide variant.
Coding change: c.2125G>A on transcript NM_000124.4 (MANE Select); coding-DNA position 2125, G replaced by A.
Protein change: p.Val709Ile; replaces valine 709 with isoleucine.
Molecular consequence: missense variant.
Genome position (GRCh38, 1-based): chr10:49,482,731, C>T on the plus strand (G>A on the coding strand, the complement: ERCC6 is on the minus strand). VCF-style: chr10-49482731-C-T. GRCh37 (hg19) VCF-style: chr10-50690777-C-T.
Other names: c.2125G>A, p.Val709Ile (NM_001346440.2); short protein forms V709I.
Identifiers: ClinVar variation 300073 (VCV000300073.11), dbSNP rs369437807, ClinGen allele CA5495764.